The following is an entry in ClinVar:

ClinVar aggregate classification (germline): Likely pathogenic (1 of 4 stars; one submission).

Conditions:
AHDC1-related intellectual disability - obstructive sleep apnea - mild dysmorphism syndrome. Also called: Xia-Gibbs syndrome. Identifiers: Orphanet 412069, MedGen C4014419, MONDO:0014358, OMIM 615829.

Submission:

Umrani?ye Training and Research Hospital
Classification: Likely pathogenic for AHDC1-related intellectual disability - obstructive sleep apnea - mild dysmorphism syndrome. Last evaluated: 2026-03-23. Review status: criteria provided, single submitter. Criteria: ACMG Guidelines, 2015. Collection method: provider interpretation. Allele origin: de novo. Inheritance: Autosomal dominant inheritance. Affected: yes. Observed: 1 variant allele.
Comment: PVS1,PM2,PM6

Literature cited by the submitters: PubMed 42136190.

NM_001371928.1(AHDC1):c.2697_2698del (p.Val900fs)

Gene: AHDC1 (AT-hook DNA binding motif containing 1; minus strand). Cytogenetic location: 1p36.11.
Variant type: Deletion.
Coding change: c.2697_2698del on transcript NM_001371928.1 (MANE Select); coding-DNA positions 2697 to 2698, 2 bases deleted (AG; older notation c.2697_2698delAG).
Protein change: p.Val900fs; shifts the reading frame from valine 900.
Molecular consequence: frameshift variant.
Genome position (GRCh38, 1-based): chr1:27,549,418-27,549,419, CT deleted on the plus strand (AG on the coding strand, the reverse complement: AHDC1 is on the minus strand). VCF-style (leftmost placement, unchanged base first): chr1-27549417-ACT-A. GRCh37 (hg19) VCF-style: chr1-27875928-ACT-A.
Other names: NP_001025053.1:p.(Val900Glyfs*2); c.2697_2698del, p.Val900fs (NM_001029882.3); short protein forms V900fs.
Identifiers: ClinVar variation 4820039 (VCV004820039.1).